The following is an entry in ClinVar:

ClinVar aggregate classification (germline): Uncertain significance. Review status: criteria provided, multiple submitters, no conflicts (2 of 4 stars). 3 submissions from 3 submitters: Uncertain significance (3). Last evaluated 2024-10-05.

Conditions:
Diffuse pediatric-type high-grade glioma, H3-wildtype and IDH-wildtype. Identifiers: MedGen C5669918, MONDO:0858939.

Allele frequency attached by ClinVar (database versions not stated): gnomAD 0.00001; TOPMed 0.00001; gnomAD exomes 0.00002.

Submissions (3):

Labcorp Genetics (formerly Invitae), Labcorp
Classification: Uncertain significance. Last evaluated: 2024-10-05. Review status: criteria provided, single submitter. Criteria: Invitae Variant Classification Sherloc (09022015). Collection method: clinical testing. Allele origin: germline.
Comment: This sequence change replaces arginine, which is basic and polar, with tryptophan, which is neutral and slightly polar, at codon 110 of the FGFR3 protein (p.Arg110Trp). This variant is present in population databases (no rsID available, gnomAD 0.007%). This variant has not been reported in the literature in individuals affected with FGFR3-related conditions. ClinVar contains an entry for this variant (Variation ID: 1315452). Invitae Evidence Modeling of protein sequence and biophysical properties (such as structural, functional, and spatial information, amino acid conservation, physicochemical variation, residue mobility, and thermodynamic stability) has been performed for this missense variant. However, the output from this modeling did not meet the statistical confidence thresholds required to predict the impact of this variant on FGFR3 protein function. In summary, the available evidence is currently insufficient to determine the role of this variant in disease. Therefore, it has been classified as a Variant of Uncertain Significance.

Laboratory of Medical Genetics Unit, Bambino Gesù Children's Hospital
Classification: Uncertain significance for Diffuse pediatric-type high-grade glioma, H3-wildtype and IDH-wildtype. Last evaluated: 2022-05-09. Review status: criteria provided, single submitter. Criteria: ACMG Guidelines, 2015. Collection method: research. Allele origin: paternal. Affected: yes. Observed: 1 heterozygote.

GeneDx
Classification: Uncertain significance. Last evaluated: 2020-05-27. Review status: criteria provided, single submitter. Criteria: GeneDx Variant Classification Process June 2021. Collection method: clinical testing. Allele origin: germline. Affected: yes.
Comment: In silico analysis supports that this missense variant does not alter protein structure/function; Has not been previously published as pathogenic or benign to our knowledge

NM_000142.5(FGFR3):c.328C>T (p.Arg110Trp)

Gene: FGFR3 (fibroblast growth factor receptor 3; plus strand). Cytogenetic location: 4p16.3.
Variant type: single nucleotide variant.
Coding change: c.328C>T on transcript NM_000142.5 (MANE Select); coding-DNA position 328, C replaced by T.
Protein change: p.Arg110Trp; replaces arginine 110 with tryptophan.
Molecular consequence: missense variant. On other transcripts: non-coding transcript variant (1).
Genome position (GRCh38, 1-based): chr4:1,799,472, C>T. VCF-style: chr4-1799472-C-T. GRCh37 (hg19) VCF-style: chr4-1801199-C-T.
Other names: c.328C>T, p.Arg110Trp (NM_001163213.2, NM_001354809.2, NM_001354810.2 and 1 more transcripts); short protein forms R110W.
Identifiers: ClinVar variation 1315452 (VCV001315452.10), dbSNP rs978856665, ClinGen allele CA91245822.
Genomic context (GRCh38, chr4:1,799,472, plus strand): 5'-GGGCCCCAGCGGCTGCAGGTGCTGAATGCCTCCCACGAGGACTCCGGGGCCTACAGCTGC[C>T]GGCAGCGGCTCACGCAGCGCGTACTGTGCCACTTCAGTGTGCGGGTGACAGGTGAGCTCT-3'
Protein context (NP_000133.1, residues 100-120): SHEDSGAYSC[Arg110Trp]QRLTQRVLCH